The following is an entry in ClinVar:

ClinVar aggregate classification (germline): Uncertain significance. Review status: criteria provided, multiple submitters, no conflicts (2 of 4 stars). 3 submissions from 3 submitters: Uncertain significance (2). 1 of the submissions does not count toward it. Last evaluated 2025-11-28.

Conditions:
Retinal dystrophy. Also called: Inherited retinal dystrophy. Identifiers: Orphanet 71862, MedGen C0854723, MeSH D058499, MONDO:0019118, HP:0000556.

Allele frequency attached by ClinVar (database versions not stated): gnomAD 0.00001; ExAC 0.00002.
gnomAD v4.1: 21 of 1,613,606 alleles (0.0013%); highest among the groups gnomAD compares: Middle Eastern, 0.016%; no homozygotes.

Submissions (3):

Labcorp Genetics (formerly Invitae), Labcorp
Classification: Uncertain significance. Last evaluated: 2025-11-28. Review status: criteria provided, single submitter. Criteria: Invitae Variant Classification Sherloc (09022015). Collection method: clinical testing. Allele origin: germline.
Comment: This sequence change replaces arginine, which is basic and polar, with histidine, which is basic and polar, at codon 134 of the PROM1 protein (p.Arg134His). This variant is present in population databases (rs749128711, gnomAD 0.003%). This variant has not been reported in the literature in individuals affected with PROM1-related conditions. ClinVar contains an entry for this variant (Variation ID: 1353552). Invitae Evidence Modeling of protein sequence and biophysical properties (such as structural, functional, and spatial information, amino acid conservation, physicochemical variation, residue mobility, and thermodynamic stability) indicates that this missense variant is expected to disrupt PROM1 protein function with a positive predictive value of 80%. In summary, the available evidence is currently insufficient to determine the role of this variant in disease. Therefore, it has been classified as a Variant of Uncertain Significance.

Blueprint Genetics
Classification: Uncertain significance. Last evaluated: 2023-10-02. Review status: criteria provided, single submitter. Criteria: ACMG Guidelines, 2015. Collection method: clinical testing. Allele origin: germline.

Institute of Human Genetics, Univ. Regensburg, Univ. Regensburg
Classification: Uncertain significance for Retinal dystrophy. Last evaluated: 2021-01-01. Review status: no assertion criteria provided. Criteria: ACMG Guidelines, 2015. Collection method: clinical testing. Allele origin: germline. Affected: yes. Not counted in ClinVar's aggregate classification.

NM_006017.3(PROM1):c.401G>A (p.Arg134His)

Gene: PROM1 (prominin 1; minus strand). Cytogenetic location: 4p15.32.
Variant type: single nucleotide variant.
Coding change: c.401G>A on transcript NM_006017.3 (MANE Select); coding-DNA position 401, G replaced by A.
Protein change: p.Arg134His; replaces arginine 134 with histidine.
Molecular consequence: missense variant.
Genome position (GRCh38, 1-based): chr4:16,033,412, C>T on the plus strand (G>A on the coding strand, the complement: PROM1 is on the minus strand). VCF-style: chr4-16033412-C-T. GRCh37 (hg19) VCF-style: chr4-16035035-C-T.
Other names: c.374G>A, p.Arg125His (NM_001145847.2, NM_001145848.2, NM_001145851.2 and 4 more transcripts); c.401G>A, p.Arg134His (NM_001145849.2, NM_001145850.2); short protein forms R125H, R134H.
Identifiers: ClinVar variation 1353552 (VCV001353552.8), dbSNP rs749128711, ClinGen allele CA2867077.
Genomic context (GRCh38, chr4:16,033,412, plus strand): 5'-AGGAAGGGCCCATTTTCCTTCTGTCGCTGGTGCATTTCTCCACCACATTTGTTACAGCAA[C>T]GACACATACAAAAGAAATACCCCACCAGAGGCATCAGAATAATAAACAGCAGCCCCAGGA-3'
Protein context (NP_006008.1, residues 124-144): PLVGYFFCMC[Arg134His]CCNKCGGEMH